The following is an entry in ClinVar:

NM_006231.4(POLE):c.2407T>C (p.Ser803Pro)

Gene: POLE (DNA polymerase epsilon, catalytic subunit; minus strand). Cytogenetic location: 12q24.33.
Variant type: single nucleotide variant.
Coding change: c.2407T>C on transcript NM_006231.4 (MANE Select); coding-DNA position 2407, T replaced by C.
Protein change: p.Ser803Pro; replaces serine 803 with proline.
Molecular consequence: missense variant.
Genome position (GRCh38, 1-based): chr12:132,665,363, A>G on the plus strand (T>C on the coding strand, the complement: POLE is on the minus strand). VCF-style: chr12-132665363-A-G. GRCh37 (hg19) VCF-style: chr12-133241949-A-G.
Other names: short protein forms S803P.
Identifiers: ClinVar variation 1040670 (VCV001040670.8), dbSNP rs771068431, ClinGen allele CA6893568.
Genomic context (GRCh38, chr12:132,665,363, plus strand): 5'-CCTTGCGCATGACATAGCCATAGAAGGAGTTCAGGATGCACTTGTGGGCCAGCTGCAGCG[A>G]GTCATACAGCACCTCCATGTTCTTGCAGCGCTTCACCTCAGCCGCGTCGCCCACCTCCAC-3'
Protein context (NP_006222.2, residues 793-813): RCKNMEVLYD[Ser803Pro]LQLAHKCILN

ClinVar aggregate classification (germline): Uncertain significance (1 of 4 stars; one submission).

Allele frequency attached by ClinVar (database versions not stated): gnomAD exomes below 0.00001; ExAC 0.00001.

Submission:

Labcorp Genetics (formerly Invitae), Labcorp
Classification: Uncertain significance. Last evaluated: 2020-10-07. Review status: criteria provided, single submitter. Criteria: Invitae Variant Classification Sherloc (09022015). Collection method: clinical testing. Allele origin: germline.
Comment: In summary, the available evidence is currently insufficient to determine the role of this variant in disease. Therefore, it has been classified as a Variant of Uncertain Significance. Algorithms developed to predict the effect of missense changes on protein structure and function (SIFT, PolyPhen-2, Align-GVGD) all suggest that this variant is likely to be disruptive, but these predictions have not been confirmed by published functional studies and their clinical significance is uncertain. This variant has not been reported in the literature in individuals with POLE-related conditions. This variant is present in population databases (rs771068431, ExAC 0.001%). This sequence change replaces serine with proline at codon 803 of the POLE protein (p.Ser803Pro). The serine residue is highly conserved and there is a moderate physicochemical difference between serine and proline.